The following is an entry in ClinVar:

NM_052989.3(IFT122):c.1411T>G (p.Ser471Ala)

Gene: IFT122 (intraflagellar transport 122; plus strand). Cytogenetic location: 3q21.3.
Variant type: single nucleotide variant.
Coding change: c.1411T>G on transcript NM_052989.3 (MANE Select); coding-DNA position 1411, T replaced by G.
Protein change: p.Ser471Ala; replaces serine 471 with alanine.
Molecular consequence: missense variant.
Genome position (GRCh38, 1-based): chr3:129,479,845, T>G. VCF-style: chr3-129479845-T-G. GRCh37 (hg19) VCF-style: chr3-129198688-T-G.
Other names: c.1387T>G, p.Ser463Ala (NM_001280541.2); c.961T>G, p.Ser321Ala (NM_001280545.2); c.784T>G, p.Ser262Ala (NM_001280546.2); c.1411T>G, p.Ser471Ala (NM_001410808.1, NM_001410809.1); c.1234T>G, p.Ser412Ala (NM_001410810.1, NM_001410811.1, NM_001410813.1 and 1 more transcripts); c.1078T>G, p.Ser360Ala (NM_001410815.1, NM_001410817.1, NM_052990.3); c.1564T>G, p.Ser522Ala (NM_052985.4); short protein forms S321A, S463A, S522A, S360A, S412A, S262A, S471A.
Identifiers: ClinVar variation 2122566 (VCV002122566.4), dbSNP rs1577643091, ClinGen allele CA354475281.

ClinVar aggregate classification (germline): Uncertain significance (1 of 4 stars; one submission).

Conditions:
Cranioectodermal dysplasia 1 (CED1). Also called: LEVIN SYNDROME I. Identifiers: Orphanet 1515, MedGen C0432235, MONDO:0021093, OMIM 218330.

Submission:

Labcorp Genetics (formerly Invitae), Labcorp
Classification: Uncertain significance for Cranioectodermal dysplasia 1. Last evaluated: 2022-04-26. Review status: criteria provided, single submitter. Criteria: Invitae Variant Classification Sherloc (09022015). Collection method: clinical testing. Allele origin: germline.
Comment: In summary, the available evidence is currently insufficient to determine the role of this variant in disease. Therefore, it has been classified as a Variant of Uncertain Significance. Algorithms developed to predict the effect of missense changes on protein structure and function are either unavailable or do not agree on the potential impact of this missense change (SIFT: "Deleterious"; PolyPhen-2: "Benign"; Align-GVGD: "Class C65"). This variant has not been reported in the literature in individuals affected with IFT122-related conditions. This variant is not present in population databases (gnomAD no frequency). This sequence change replaces serine, which is neutral and polar, with alanine, which is neutral and non-polar, at codon 522 of the IFT122 protein (p.Ser522Ala).